The following is an entry in ClinVar:

NM_020184.4(CNNM4):c.2017G>A (p.Val673Ile)

Gene: CNNM4 (cyclin and CBS domain divalent metal cation transport mediator 4; plus strand). Cytogenetic location: 2q11.2.
Variant type: single nucleotide variant.
Coding change: c.2017G>A on transcript NM_020184.4 (MANE Select); coding-DNA position 2017, G replaced by A.
Protein change: p.Val673Ile; replaces valine 673 with isoleucine.
Molecular consequence: missense variant.
Genome position (GRCh38, 1-based): chr2:96,808,629, G>A. VCF-style: chr2-96808629-G-A. GRCh37 (hg19) VCF-style: chr2-97474366-G-A.
Other names: short protein forms V673I.
Identifiers: ClinVar variation 935874 (VCV000935874.8), dbSNP rs762359675, ClinGen allele CA1783547.
Genomic context (GRCh38, chr2:96,808,629, plus strand): 5'-CCAGCACACCCCACCCCACTCAGCCGCTCAGCCTCCCTCAGTTACCCAGACCGCACAGAC[G>A]TCTCAACTGCAGCAACCTTGGCAGGCAGCAGCAACCAGTTTGGCAGCTCTGTCCTGGGCC-3'
Protein context (NP_064569.3, residues 663-683): ASLSYPDRTD[Val673Ile]STAATLAGSS

ClinVar aggregate classification (germline): Uncertain significance. Review status: criteria provided, multiple submitters, no conflicts (2 of 4 stars). 2 submissions from 2 submitters: Uncertain significance (2). Last evaluated 2025-08-05.

Conditions:
CNNM4-related disorder. Also called: CNNM4-related condition.

Allele frequency attached by ClinVar (database versions not stated): ExAC 0.00002; gnomAD exomes 0.00002; TOPMed 0.00002.
gnomAD v4.1: 38 of 1,613,950 alleles (0.0024%); highest among the groups gnomAD compares: East Asian, 0.0067%; no homozygotes.

Submissions (2):

PreventionGenetics, part of Exact Sciences
Classification: Uncertain significance for CNNM4-related condition. Last evaluated: 2025-08-05. Review status: criteria provided, single submitter. Criteria: ACMG Guidelines, 2015. Collection method: clinical testing. Allele origin: germline.
Comment: The CNNM4 c.2017G>A variant is predicted to result in the amino acid substitution p.Val673Ile. To our knowledge, this variant has not been reported in the literature. This variant is reported in 0.011% of alleles in individuals of East Asian descent in gnomAD. At this time, the clinical significance of this variant is uncertain due to the absence of conclusive functional and genetic evidence.

Labcorp Genetics (formerly Invitae), Labcorp
Classification: Uncertain significance. Last evaluated: 2021-09-01. Review status: criteria provided, single submitter. Criteria: Invitae Variant Classification Sherloc (09022015). Collection method: clinical testing. Allele origin: germline.
Comment: This sequence change replaces valine with isoleucine at codon 673 of the CNNM4 protein (p.Val673Ile). The valine residue is weakly conserved and there is a small physicochemical difference between valine and isoleucine. This variant is present in population databases (rs762359675, ExAC 0.006%). This variant has not been reported in the literature in individuals affected with CNNM4-related conditions. Algorithms developed to predict the effect of missense changes on protein structure and function output the following: SIFT: "Tolerated"; PolyPhen-2: "Benign"; Align-GVGD: "Class C0". The isoleucine amino acid residue is found in multiple mammalian species, which suggests that this missense change does not adversely affect protein function. In summary, the available evidence is currently insufficient to determine the role of this variant in disease. Therefore, it has been classified as a Variant of Uncertain Significance.